The following is an entry in ClinVar:

ClinVar aggregate classification (germline): Benign. Review status: reviewed by expert panel (3 of 4 stars). 2 submissions from 2 submitters: Benign (1). 1 of the submissions does not count toward it. Last evaluated 2020-01-13.

Conditions:
Hereditary thrombocytopenia and hematological cancer predisposition syndrome associated with RUNX1. Also called: PLATELET DISORDER, ASPIRIN-LIKE; RUNX1 Familial Platelet Disorder with Associated Myeloid Malignancies; Familial Platelet Disorder with Propensity to Acute Myelogenous Leukemia; Familial thrombocytopenia with propensity to acute myelogenous leukemia. Identifiers: Orphanet 71290, MedGen C1832388, MeSH C563324, MONDO:0100083, OMIM 601399.

Allele frequency attached by ClinVar (database versions not stated): gnomAD 0.00203 and 0.00295; TOPMed 0.00350; gnomAD exomes 0.00817; 1000 Genomes Project 0.01558; 1000 Genomes Project 30x 0.01702.
gnomAD v4.1: 1,073 of 233,610 alleles (0.46%); highest among the groups gnomAD compares: East Asian, 6.1%; 50 homozygotes.

Submissions (2):

ClinGen Myeloid Malignancy Variant Curation Expert Panel
Classification: Benign for Hereditary thrombocytopenia and hematologic cancer predisposition syndrome. Last evaluated: 2020-01-13. Review status: reviewed by expert panel. Criteria: ClinGen MyeloMalig ACMG Specifications v1. Collection method: curation. Allele origin: germline. Inheritance: Autosomal dominant inheritance.
Comment: The NM_001754.4:c.*3345A>T variant in the 3' UTR has an MAF of 0.09 (9%, 145/1560 alleles) in the East Asian subpopulation of the gnomAD v3 cohort and is =/> 0.0015 (0.15%) (BA1). This variant is detected in a homozygous state in 16 individuals in the gnomAD v3 population database (BP2). In summary, this variant meets criteria to be classified as benign. ACMG/AMP criteria applied, as specified by the Myeloid Malignancy Variant Curation Expert Panel for RUNX1: BA1, BP2.

Illumina Laboratory Services, Illumina
Classification: Benign for Hereditary thrombocytopenia and hematological cancer predisposition syndrome associated with RUNX1. Last evaluated: 2018-01-13. Review status: criteria provided, single submitter. Criteria: ICSL Variant Classification Criteria 13 December 2019. Collection method: clinical testing. Allele origin: germline. Not counted in ClinVar's aggregate classification.
Comment: This variant was observed in the ICSL laboratory as part of a predisposition screen in an ostensibly healthy population. It had not been previously curated by ICSL or reported in the Human Gene Mutation Database (HGMD: prior to June 1st, 2018), and was therefore a candidate for classification through an automated scoring system. Utilizing variant allele frequency, disease prevalence and penetrance estimates, and inheritance mode, an automated score was calculated to assess if this variant is too frequent to cause the disease. Based on the score and internal cut-off values, a variant classified as benign is not then subjected to further curation. The score for this variant resulted in a classification of benign for this disease.

NM_001754.5(RUNX1):c.*3345A>T

Gene: RUNX1 (RUNX family transcription factor 1; minus strand). Cytogenetic location: 21q22.12.
Variant type: single nucleotide variant.
Coding change: c.*3345A>T on transcript NM_001754.5 (MANE Select); 3345 bases downstream of the stop codon, A replaced by T.
Molecular consequence: 3 prime UTR variant.
Genome position (GRCh38, 1-based): chr21:34,788,790, T>A on the plus strand (A>T on the coding strand, the complement: RUNX1 is on the minus strand). VCF-style: chr21-34788790-T-A. GRCh37 (hg19) VCF-style: chr21-36161087-T-A.
Other names: c.*3345A>T (NM_001001890.3, NM_001754.4).
Identifiers: ClinVar variation 339810 (VCV000339810.6), dbSNP rs56151547, ClinGen allele CA10652909.